The following is an entry in ClinVar:

ClinVar aggregate classification (germline): Uncertain significance. Review status: criteria provided, multiple submitters, no conflicts (2 of 4 stars). 3 submissions from 3 submitters: Uncertain significance (3). Last evaluated 2025-05-06.

Conditions:
Inborn genetic diseases. Identifiers: MedGen C0950123, MeSH D030342.
DCHS1-related disorder. Also called: DCHS1-related condition.

gnomAD v4.1: 8 of 1,613,344 alleles (0.0005%); highest among the groups gnomAD compares: Non-Finnish European, 0.00034%; no homozygotes.

Submissions (3):

Ambry Genetics
Classification: Uncertain significance for Inborn genetic diseases. Last evaluated: 2025-05-06. Review status: criteria provided, single submitter. Criteria: Ambry Variant Classification Scheme 2023. Collection method: clinical testing. Allele origin: germline.

Labcorp Genetics (formerly Invitae), Labcorp
Classification: Uncertain significance. Last evaluated: 2025-04-17. Review status: criteria provided, single submitter. Criteria: Invitae Variant Classification Sherloc (09022015). Collection method: clinical testing. Allele origin: germline.
Comment: This sequence change replaces tyrosine, which is neutral and polar, with asparagine, which is neutral and polar, at codon 2487 of the DCHS1 protein (p.Tyr2487Asn). This variant is present in population databases (no rsID available, gnomAD 0.0009%). This variant has not been reported in the literature in individuals affected with DCHS1-related conditions. ClinVar contains an entry for this variant (Variation ID: 2635782). Invitae Evidence Modeling of protein sequence and biophysical properties (such as structural, functional, and spatial information, amino acid conservation, physicochemical variation, residue mobility, and thermodynamic stability) indicates that this missense variant is not expected to disrupt DCHS1 protein function with a negative predictive value of 80%. In summary, the available evidence is currently insufficient to determine the role of this variant in disease. Therefore, it has been classified as a Variant of Uncertain Significance.

PreventionGenetics, part of Exact Sciences
Classification: Uncertain significance for DCHS1-related condition. Last evaluated: 2023-03-08. Review status: criteria provided, single submitter. Criteria: ACMG Guidelines, 2015. Collection method: clinical testing. Allele origin: germline.
Comment: The DCHS1 c.7459T>A variant is predicted to result in the amino acid substitution p.Tyr2487Asn. To our knowledge, this variant has not been reported in the literature. This variant is reported in 0.00089% of alleles in individuals of European (Non-Finnish) descent in gnomAD. At this time, the clinical significance of this variant is uncertain due to the absence of conclusive functional and genetic evidence.

NM_003737.4(DCHS1):c.7459T>A (p.Tyr2487Asn)

Gene: DCHS1 (dachsous cadherin-related 1; minus strand). Cytogenetic location: 11p15.4.
Variant type: single nucleotide variant.
Coding change: c.7459T>A on transcript NM_003737.4 (MANE Select); coding-DNA position 7459, T replaced by A.
Protein change: p.Tyr2487Asn; replaces tyrosine 2487 with asparagine.
Molecular consequence: missense variant.
Genome position (GRCh38, 1-based): chr11:6,624,217, A>T on the plus strand (T>A on the coding strand, the complement: DCHS1 is on the minus strand). VCF-style: chr11-6624217-A-T. GRCh37 (hg19) VCF-style: chr11-6645448-A-T.
Other names: c.7459T>A (NM_003737.2); short protein forms Y2487N.
Identifiers: ClinVar variation 2635782 (VCV002635782.3), dbSNP rs769463282, ClinGen allele CA379483038.